The following is an entry in ClinVar:

NM_001024613.4(FEZF1):c.1350G>A (p.Pro450=)

Gene: FEZF1 (FEZ family zinc finger 1; minus strand). Cytogenetic location: 7q31.32.
Variant type: single nucleotide variant.
Coding change: c.1350G>A on transcript NM_001024613.4 (MANE Select); coding-DNA position 1350, G replaced by A.
Protein change: p.Pro450=; no amino-acid change (proline 450 retained).
Molecular consequence: synonymous variant.
Genome position (GRCh38, 1-based): chr7:122,302,075, C>T on the plus strand (G>A on the coding strand, the complement: FEZF1 is on the minus strand). VCF-style: chr7-122302075-C-T. GRCh37 (hg19) VCF-style: chr7-121942129-C-T.
Other names: c.1200G>A, p.Pro400= (NM_001160264.3).
Identifiers: ClinVar variation 713972 (VCV000713972.15), dbSNP rs112066691, ClinGen allele CA4458797.

ClinVar aggregate classification (germline): Benign. Review status: criteria provided, multiple submitters, no conflicts (2 of 4 stars). 4 submissions from 4 submitters: Benign (3). 1 of the submissions does not count toward it. Last evaluated 2026-01-27.

Conditions:
FEZF1-related disorder. Also called: FEZF1-related condition.

Allele frequency attached by ClinVar (database versions not stated): gnomAD exomes 0.00106 and 0.00043; ESP Exome Variant Server 0.00449; gnomAD 0.00452 and 0.00430; 1000 Genomes Project 0.00499; TOPMed 0.00468; 1000 Genomes Project 30x 0.00500; ExAC 0.00131.

Submissions (4):

Labcorp Genetics (formerly Invitae), Labcorp
Classification: Benign. Last evaluated: 2026-01-27. Review status: criteria provided, single submitter. Criteria: Invitae Variant Classification Sherloc (09022015). Collection method: clinical testing. Allele origin: germline.

Genetic Services Laboratory, University of Chicago
Classification: Benign. Last evaluated: 2020-01-17. Review status: criteria provided, single submitter. Criteria: ACMG Guidelines, 2015. Collection method: clinical testing. Allele origin: germline. Affected: no.

Breakthrough Genomics
Classification: Benign. Review status: criteria provided, single submitter. Criteria: ACMG Guidelines, 2015. Collection method: not provided. Allele origin: germline. Inheritance: Autosomal recessive inheritance. Affected: yes.

PreventionGenetics, part of Exact Sciences
Classification: Benign for FEZF1-related condition. Last evaluated: 2019-04-12. Review status: no assertion criteria provided. Collection method: clinical testing. Allele origin: germline. Not counted in ClinVar's aggregate classification.
Comment: This variant is classified as benign based on ACMG/AMP sequence variant interpretation guidelines (Richards et al. 2015 PMID: 25741868, with internal and published modifications).